The following is an entry in ClinVar:

NM_001365951.3(KIF1B):c.2115+7077A>G

Gene: KIF1B (kinesin family member 1B; plus strand). Cytogenetic location: 1p36.22.
Variant type: single nucleotide variant.
Coding change: c.2115+7077A>G on transcript NM_001365951.3 (MANE Select); 7077 bases into the intron after coding-DNA position 2115, A replaced by G.
Molecular consequence: intron variant. On other transcripts: synonymous variant (2).
Genome position (GRCh38, 1-based): chr1:10,304,323, A>G. VCF-style: chr1-10304323-A-G. GRCh37 (hg19) VCF-style: chr1-10364381-A-G.
Other names: c.3138A>G, p.Gln1046= (NM_001365953.1, NM_183416.4); c.1977+7077A>G (NM_015074.3); c.2115+7077A>G (NM_001365952.1).
Identifiers: ClinVar variation 3057763 (VCV003057763.16), dbSNP rs148677872, ClinGen allele CA581373.

ClinVar aggregate classification (germline): Benign/Likely benign. Review status: criteria provided, multiple submitters, no conflicts (2 of 4 stars). 3 submissions from 3 submitters: Benign (1); Likely benign (1). 1 of the submissions does not count toward it. Last evaluated 2026-08-01.

Conditions:
KIF1B-related disorder. Also called: KIF1B-related condition.

Allele frequency attached by ClinVar (database versions not stated): ExAC 0.00026; TOPMed 0.00043; ESP Exome Variant Server 0.00046; gnomAD 0.00048; 1000 Genomes Project 0.00140; 1000 Genomes Project 30x 0.00156.
gnomAD v4.1: 255 of 1,614,210 alleles (0.016%); highest among the groups gnomAD compares: African/African-American, 0.17%; no homozygotes.

Submissions (3):

CeGaT Center for Human Genetics Tuebingen
Classification: Likely benign. Last evaluated: 2026-08-01. Review status: criteria provided, single submitter. Criteria: CeGaT Center For Human Genetics Tuebingen Variant Classification Criteria Version 2. Collection method: clinical testing. Allele origin: germline. Affected: yes. Observed: 3 variant alleles.
Comment: KIF1B: BP4, BP7

ARUP Laboratories, Molecular Genetics and Genomics, ARUP Laboratories
Classification: Benign. Last evaluated: 2024-10-03. Review status: criteria provided, single submitter. Criteria: ARUP Molecular Germline Variant Investigation Process 2024. Collection method: clinical testing. Allele origin: germline.

PreventionGenetics, part of Exact Sciences
Classification: Likely benign for KIF1B-related condition. Last evaluated: 2019-04-24. Review status: no assertion criteria provided. Collection method: clinical testing. Allele origin: germline. Not counted in ClinVar's aggregate classification.
Comment: This variant is classified as likely benign based on ACMG/AMP sequence variant interpretation guidelines (Richards et al. 2015 PMID: 25741868, with internal and published modifications).